The following is an entry in ClinVar:

NM_004006.3(DMD):c.5981C>T (p.Ser1994Phe)

Gene: DMD (dystrophin; minus strand). Cytogenetic location: Xp21.1.
Variant type: single nucleotide variant.
Coding change: c.5981C>T on transcript NM_004006.3 (MANE Select); coding-DNA position 5981, C replaced by T.
Protein change: p.Ser1994Phe; replaces serine 1994 with phenylalanine.
Molecular consequence: missense variant.
Genome position (GRCh38, 1-based): chrX:32,310,218, G>A on the plus strand (C>T on the coding strand, the complement: DMD is on the minus strand). VCF-style: chrX-32310218-G-A. GRCh37 (hg19) VCF-style: chrX-32328335-G-A.
Other names: c.5957C>T, p.Ser1986Phe (NM_000109.4); c.5969C>T, p.Ser1990Phe (NM_004009.3); c.5612C>T, p.Ser1871Phe (NM_004010.3); c.1958C>T, p.Ser653Phe (NM_004011.4); c.1949C>T, p.Ser650Phe (NM_004012.4); short protein forms S1986F, S1990F, S653F, S1871F, S1994F, S650F.
Identifiers: ClinVar variation 4778389 (VCV004778389.1).

ClinVar aggregate classification (germline): Uncertain significance (1 of 4 stars; one submission).

Conditions:
Duchenne muscular dystrophy (DMD). Also called: MUSCULAR DYSTROPHY, PSEUDOHYPERTROPHIC PROGRESSIVE, DUCHENNE TYPE; Duchenne Muscular Dystrophy (DMD). Identifiers: Orphanet 98896, MedGen C0013264, MONDO:0010679, OMIM 310200.

gnomAD v4.1: 1 of 1,207,569 alleles (0.000083%); highest among the groups gnomAD compares: African/African-American, 0.0018%; no homozygotes.

Submission:

Labcorp Genetics (formerly Invitae), Labcorp
Classification: Uncertain significance for Duchenne muscular dystrophy. Last evaluated: 2026-01-07. Review status: criteria provided, single submitter. Criteria: Invitae Variant Classification Sherloc (09022015). Collection method: clinical testing. Allele origin: germline.
Comment: This sequence change replaces serine, which is neutral and polar, with phenylalanine, which is neutral and non-polar, at codon 1994 of the DMD protein (p.Ser1994Phe). This variant is not present in population databases (gnomAD no frequency). This variant has not been reported in the literature in individuals affected with DMD-related conditions. Invitae Evidence Modeling of protein sequence and biophysical properties (such as structural, functional, and spatial information, amino acid conservation, physicochemical variation, residue mobility, and thermodynamic stability) indicates that this missense variant is not expected to disrupt DMD protein function with a negative predictive value of 95%. In summary, the available evidence is currently insufficient to determine the role of this variant in disease. Therefore, it has been classified as a Variant of Uncertain Significance.